The following is an entry in ClinVar:

ClinVar aggregate classification (germline): Uncertain significance (0 of 4 stars; one submission).

Conditions:
Polycystic kidney disease. Also called: Polycystic kidney dysplasia; Kidney, Polycystic. Identifiers: MedGen C0022680, MeSH D007690, MONDO:0020642, HP:0000113.

Allele frequency attached by ClinVar (database versions not stated): gnomAD 0.00001; TOPMed 0.00001.
gnomAD v4.1: 6 of 1,584,198 alleles (0.00038%); highest among the groups gnomAD compares: East Asian, 0.0089%; no homozygotes.

Submission:

Department of Pathology and Laboratory Medicine, Sinai Health System
Classification: Uncertain significance for Polycystic Kidney disease. Review status: no assertion criteria provided. Collection method: clinical testing. Allele origin: unknown. Affected: yes. Study: The Canadian Open Genetics Repository (COGR).
Comment: The PKD1 c.7066-10C>G was not identified in the literature nor was it identified in the dbSNP, ClinVar, LOVD 3.0, ADPKD Mutation Database, or PKD1-LOVD databases. The variant was identified in control databases in 1 of 225276 chromosomes at a frequency of 0.000004 (Genome Aggregation Database Feb 27, 2017). The variant was observed in the East Asian population in 1 of 16852 chromosomes (freq: 0.00006), while the variant was not observed in the African, Other, Latino, European Non-Finnish, Ashkenazi Jewish, European Finnish, or South Asian populations. In addition, we cannot be certain that data from control databases is specific to PKD1 and not from one of the six PKD1 pseudogenes. The c.7066-10C>G variant is located in the 3' splice region and does not affect the invariant -1 and -2 positions, although positions -3 and -5 to -12 are part of the splicing consensus sequence and variants involving these positions sometimes affect splicing. In addition, 3 of 4 in silico or computational prediction software programs (SpliceSiteFinder, MaxEntScan, NNSPLICE, GeneSplicer) predict a greater than 10% difference in splicing. In summary, based on the above information, the clinical significance of this variant cannot be determined with certainty at this time. This variant is classified as a variant of uncertain significance.

NM_001009944.3(PKD1):c.7066-10C>G

Gene: PKD1 (polycystin 1, transient receptor potential channel interacting; minus strand). Cytogenetic location: 16p13.3.
Variant type: single nucleotide variant.
Coding change: c.7066-10C>G on transcript NM_001009944.3 (MANE Select); 10 bases into the intron before coding-DNA position 7066, C replaced by G.
Molecular consequence: intron variant.
Genome position (GRCh38, 1-based): chr16:2,106,958, G>C on the plus strand (C>G on the coding strand, the complement: PKD1 is on the minus strand). VCF-style: chr16-2106958-G-C. GRCh37 (hg19) VCF-style: chr16-2156959-G-C.
Other names: c.7066-10C>G (NM_000296.4).
Identifiers: ClinVar variation 997227 (VCV000997227.1), dbSNP rs776383013, ClinGen allele CA620705709.